The following is an entry in ClinVar:

ClinVar aggregate classification (germline): Likely benign (1 of 4 stars; one submission).

Submission:

CeGaT Center for Human Genetics Tuebingen
Classification: Likely benign. Last evaluated: 2022-07-01. Review status: criteria provided, single submitter. Criteria: CeGaT Center For Human Genetics Tuebingen Variant Classification Criteria Version 2. Collection method: clinical testing. Allele origin: germline. Affected: yes. Observed: 1 variant allele.
Comment: HYDIN: PM2:Supporting, BP4, BP7

NM_001270974.2(HYDIN):c.8802A>G (p.Leu2934=)

Gene: HYDIN (HYDIN axonemal central pair apparatus protein; minus strand). Cytogenetic location: 16q22.2.
Variant type: single nucleotide variant.
Coding change: c.8802A>G on transcript NM_001270974.2 (MANE Select); coding-DNA position 8802, A replaced by G.
Protein change: p.Leu2934=; no amino-acid change (leucine 2934 retained).
Molecular consequence: synonymous variant.
Genome position (GRCh38, 1-based): chr16:70,903,672, T>C on the plus strand (A>G on the coding strand, the complement: HYDIN is on the minus strand). VCF-style: chr16-70903672-T-C. GRCh37 (hg19) VCF-style: chr16-70937575-T-C.
Identifiers: ClinVar variation 2646731 (VCV002646731.24), dbSNP rs2507007419, ClinGen allele CA496405378.